The following is an entry in ClinVar:

NM_006031.6(PCNT):c.7448dup (p.His2484fs)

Gene: PCNT (pericentrin; plus strand). Cytogenetic location: 21q22.3.
Variant type: Duplication.
Coding change: c.7448dup on transcript NM_006031.6 (MANE Select); coding-DNA position 7448, one base duplicated (G; older notation c.7448dupG).
Protein change: p.His2484fs; shifts the reading frame from histidine 2484.
Molecular consequence: frameshift variant.
Genome position (GRCh38, 1-based): chr21:46,427,749, G duplicated; the last of 6 consecutive G bases (chr21:46,427,744-46,427,749); duplicating any one gives the same sequence. VCF-style (leftmost placement, unchanged base first): chr21-46427743-T-TG. GRCh37 (hg19) VCF-style: chr21-47847657-T-TG.
Other names: c.7094dup, p.His2366fs (NM_001315529.2); short protein forms H2366fs, H2484fs.
Identifiers: ClinVar variation 2967444 (VCV002967444.4), dbSNP rs947162006, ClinGen allele CA322010276.

ClinVar aggregate classification (germline): Pathogenic/Likely pathogenic. Review status: criteria provided, multiple submitters, no conflicts (2 of 4 stars). 2 submissions from 2 submitters: Pathogenic (1); Likely pathogenic (1). Last evaluated 2025-09-15.

Conditions:
Microcephalic osteodysplastic primordial dwarfism type II (MOPD2). Also called: Microcephalic osteodysplastic primordial dwarfism with tooth abnormalities; MOPD II; OSTEODYSPLASTIC PRIMORDIAL DWARFISM, TYPE II. Identifiers: Orphanet 2637, MedGen C0432246, MONDO:0008872, OMIM 210720.

Submissions (2):

Labcorp Genetics (formerly Invitae), Labcorp
Classification: Pathogenic. Last evaluated: 2025-09-15. Review status: criteria provided, single submitter. Criteria: Invitae Variant Classification Sherloc (09022015). Collection method: clinical testing. Allele origin: germline.
Comment: This sequence change creates a premature translational stop signal (p.His2484Serfs*14) in the PCNT gene. It is expected to result in an absent or disrupted protein product. Loss-of-function variants in PCNT are known to be pathogenic (PMID: 18174396, 22821869). This variant is present in population databases (no rsID available, gnomAD 0.003%). This variant has not been reported in the literature in individuals affected with PCNT-related conditions. ClinVar contains an entry for this variant (Variation ID: 2967444). For these reasons, this variant has been classified as Pathogenic.

Fulgent Genetics
Classification: Likely pathogenic for Microcephalic osteodysplastic primordial dwarfism type II. Last evaluated: 2024-01-23. Review status: criteria provided, single submitter. Criteria: ACMG Guidelines, 2015. Collection method: clinical testing. Allele origin: germline.

Literature cited by the submitters: PubMed 18174396 (cited by Labcorp Genetics (formerly Invitae), Labcorp); PubMed 22821869 (cited by Labcorp Genetics (formerly Invitae), Labcorp).